The following is an entry in ClinVar:

ClinVar aggregate classification (germline): Conflicting classifications of pathogenicity. Review status: criteria provided, conflicting classifications (1 of 4 stars). 3 submissions from 3 submitters: Uncertain significance (2); Benign (1). Last evaluated 2026-03-06.

Conditions:
Primary ciliary dyskinesia. Also called: Ciliary dyskinesia. Identifiers: Orphanet 244, MedGen C0008780, MONDO:0016575, HP:0012265.

Allele frequency attached by ClinVar (database versions not stated): gnomAD exomes 0.00002; ExAC 0.00003; TOPMed 0.00004; gnomAD 0.00005; ESP Exome Variant Server 0.00008; 1000 Genomes Project 30x 0.00031; 1000 Genomes Project 0.00040.
gnomAD v4.1: 44 of 1,613,954 alleles (0.0027%); highest among the groups gnomAD compares: African/African-American, 0.028%; no homozygotes.

Submissions (3):

GeneDx
Classification: Uncertain significance. Last evaluated: 2026-03-06. Review status: criteria provided, single submitter. Criteria: GeneDx Variant Classification Process June 2021. Collection method: clinical testing. Allele origin: germline.
Comment: In silico analysis supports that this missense variant has a deleterious effect on protein structure/function; Has not been previously published as pathogenic or benign to our knowledge

Ambry Genetics
Classification: Uncertain significance for Primary ciliary dyskinesia. Last evaluated: 2025-09-05. Review status: criteria provided, single submitter. Criteria: Ambry Variant Classification Scheme 2023. Collection method: clinical testing. Allele origin: germline.

Labcorp Genetics (formerly Invitae), Labcorp
Classification: Benign for Primary ciliary dyskinesia. Last evaluated: 2023-07-08. Review status: criteria provided, single submitter. Criteria: Invitae Variant Classification Sherloc (09022015). Collection method: clinical testing. Allele origin: germline.

NM_001277115.2(DNAH11):c.10771C>T (p.His3591Tyr)

Gene: DNAH11 (dynein axonemal heavy chain 11; plus strand). Cytogenetic location: 7p15.3.
Variant type: single nucleotide variant.
Coding change: c.10771C>T on transcript NM_001277115.2 (MANE Select); coding-DNA position 10771, C replaced by T.
Protein change: p.His3591Tyr; replaces histidine 3591 with tyrosine.
Molecular consequence: missense variant.
Genome position (GRCh38, 1-based): chr7:21,842,623, C>T. VCF-style: chr7-21842623-C-T. GRCh37 (hg19) VCF-style: chr7-21882241-C-T.
Other names: c.10792C>T, p.His3598Tyr (NM_003777.3); c.10771C>T (NM_001277115.1); short protein forms H3591Y, H3598Y.
Identifiers: ClinVar variation 2955136 (VCV002955136.5), dbSNP rs140117045, ClinGen allele CA4182482.
Genomic context (GRCh38, chr7:21,842,623, plus strand): 5'-AAAGAATGTGAATTTAACAAGAACTTTCGCCTTATCCTTCACACAAAATTGGCAAATCCT[C>T]ACTATAAGCCGGAATTACAAGCTCAGACAACTCTCCTCAATTTCACAGTCACAGAAGATG-3'
Protein context (NP_001264044.1, residues 3581-3601): LILHTKLANP[His3591Tyr]YKPELQAQTT